The following is an entry in ClinVar:

ClinVar aggregate classification (germline): Pathogenic (1 of 4 stars; one submission).

Conditions:
Developmental and epileptic encephalopathy, 23 (DEE23). Also called: Epileptic encephalopathy, early infantile, 23. Identifiers: Orphanet 411986, MedGen C4014492, MONDO:0014371, OMIM 615859.

Submission:

Labcorp Genetics (formerly Invitae), Labcorp
Classification: Pathogenic for Developmental and epileptic encephalopathy, 23. Last evaluated: 2025-06-15. Review status: criteria provided, single submitter. Criteria: Invitae Variant Classification Sherloc (09022015). Collection method: clinical testing. Allele origin: germline.
Comment: This sequence change creates a premature translational stop signal (p.Gln973*) in the DOCK7 gene. It is expected to result in an absent or disrupted protein product. Loss-of-function variants in DOCK7 are known to be pathogenic (PMID: 24814191). This variant is not present in population databases (gnomAD no frequency). This variant has not been reported in the literature in individuals affected with DOCK7-related conditions. For these reasons, this variant has been classified as Pathogenic.

Literature cited by the submitters: PubMed 24814191.

NM_001367561.1(DOCK7):c.2917C>T (p.Gln973Ter)

Gene: DOCK7 (dedicator of cytokinesis 7; minus strand). Cytogenetic location: 1p31.3.
Variant type: single nucleotide variant.
Coding change: c.2917C>T on transcript NM_001367561.1 (MANE Select); coding-DNA position 2917, C replaced by T.
Protein change: p.Gln973Ter; replaces glutamine 973 with a stop codon.
Molecular consequence: nonsense.
Genome position (GRCh38, 1-based): chr1:62,543,688, G>A on the plus strand (C>T on the coding strand, the complement: DOCK7 is on the minus strand). VCF-style: chr1-62543688-G-A. GRCh37 (hg19) VCF-style: chr1-63009359-G-A.
Other names: c.2917C>T, p.Gln973Ter (NM_001271999.2, NM_001330614.2); c.2824C>T, p.Gln942Ter (NM_001272000.2, NM_001272001.2, NM_033407.4); short protein forms Q973*, Q942*.
Identifiers: ClinVar variation 4721431 (VCV004721431.1).
Genomic context (GRCh38, chr1:62,543,688, plus strand): 5'-TCTATGAATTGTCTTCATATGAATCTACCTTTTTAGTTGGTAAGCGTCCCGTTAATGTTT[G>A]TAAGAAACTTGACGTCTCTGTGTGCGAAGACATACGATTACAACTTCGATCCATAGCCTA-3'